The following is an entry in ClinVar:

NM_004863.4(SPTLC2):c.280T>C (p.Trp94Arg)

Gene: SPTLC2 (serine palmitoyltransferase long chain base subunit 2; minus strand). Cytogenetic location: 14q24.3.
Variant type: single nucleotide variant.
Coding change: c.280T>C on transcript NM_004863.4 (MANE Select); coding-DNA position 280, T replaced by C.
Protein change: p.Trp94Arg; replaces tryptophan 94 with arginine.
Molecular consequence: missense variant.
Genome position (GRCh38, 1-based): chr14:77,597,233, A>G on the plus strand (T>C on the coding strand, the complement: SPTLC2 is on the minus strand). VCF-style: chr14-77597233-A-G. GRCh37 (hg19) VCF-style: chr14-78063576-A-G.
Other names: short protein forms W94R.
Identifiers: ClinVar variation 2727491 (VCV002727491.3), dbSNP rs2503542104, ClinGen allele CA390705313.

ClinVar aggregate classification (germline): Uncertain significance (1 of 4 stars; one submission).

Conditions:
Neuropathy, hereditary sensory and autonomic, type 1C. Also called: HSAN IC; HSN IC. Identifiers: Orphanet 36386, MedGen C3150896, MONDO:0013337, OMIM 613640.

Allele frequency attached by ClinVar (database versions not stated): gnomAD exomes below 0.00001.
gnomAD v4.1: 1 of 1,614,182 alleles (0.000062%); highest among the groups gnomAD compares: Non-Finnish European, 0.000085%; no homozygotes.

Submission:

Labcorp Genetics (formerly Invitae), Labcorp
Classification: Uncertain significance for Neuropathy, hereditary sensory and autonomic, type 1C. Last evaluated: 2025-03-31. Review status: criteria provided, single submitter. Criteria: Invitae Variant Classification Sherloc (09022015). Collection method: clinical testing. Allele origin: germline.
Comment: This sequence change replaces tryptophan, which is neutral and slightly polar, with arginine, which is basic and polar, at codon 94 of the SPTLC2 protein (p.Trp94Arg). This variant is not present in population databases (gnomAD no frequency). This variant has not been reported in the literature in individuals affected with SPTLC2-related conditions. ClinVar contains an entry for this variant (Variation ID: 2727491). Invitae Evidence Modeling of protein sequence and biophysical properties (such as structural, functional, and spatial information, amino acid conservation, physicochemical variation, residue mobility, and thermodynamic stability) has been performed for this missense variant. However, the output from this modeling did not meet the statistical confidence thresholds required to predict the impact of this variant on SPTLC2 protein function. In summary, the available evidence is currently insufficient to determine the role of this variant in disease. Therefore, it has been classified as a Variant of Uncertain Significance.